The following is an entry in ClinVar:

ClinVar aggregate classification (germline): Uncertain significance (1 of 4 stars; one submission).

Conditions:
SCAPER-related disorder. Also called: SCAPER-related condition.

Submission:

PreventionGenetics, part of Exact Sciences
Classification: Uncertain significance for SCAPER-related condition. Last evaluated: 2026-06-09. Review status: criteria provided, single submitter. Criteria: ACMG Guidelines, 2015. Collection method: clinical testing. Allele origin: germline.
Comment: The SCAPER c.774A>T variant is predicted to result in the amino acid substitution p.Glu258Asp. To our knowledge, this variant has not been reported in the literature or in a large population database (gnomAD), indicating this variant is rare. At this time, the clinical significance of this variant is uncertain due to the absence of conclusive functional and genetic evidence.

NM_020843.4(SCAPER):c.774A>T (p.Glu258Asp)

Gene: SCAPER (S-phase cyclin A associated protein in the ER; minus strand). Cytogenetic location: 15q24.3.
Variant type: single nucleotide variant.
Coding change: c.774A>T on transcript NM_020843.4 (MANE Select); coding-DNA position 774, A replaced by T.
Protein change: p.Glu258Asp; replaces glutamic acid 258 with aspartic acid.
Molecular consequence: missense variant. On other transcripts: non-coding transcript variant (1).
Genome position (GRCh38, 1-based): chr15:76,775,116, T>A on the plus strand (A>T on the coding strand, the complement: SCAPER is on the minus strand). VCF-style: chr15-76775116-T-A. GRCh37 (hg19) VCF-style: chr15-77067457-T-A.
Other names: c.36A>T, p.Glu12Asp (NM_001145923.2); c.774A>T, p.Glu258Asp (NM_001353009.2); c.372A>T, p.Glu124Asp (NM_001353010.2, NM_001353011.2, NM_001353012.2); short protein forms E258D, E124D, E12D.
Identifiers: ClinVar variation 4994640 (VCV004994640.1).